The following is an entry in ClinVar:

NC_000002.11:g.(?_237481970)_(242801596_?)del

Genes: AQP12A (aquaporin 12A; plus strand), ACKR3 (atypical chemokine receptor 3; plus strand), AGXT (alanine--glyoxylate aminotransferase; plus strand), ANKMY1 (ankyrin repeat and MYND domain containing 1; minus strand), ANO7 (anoctamin 7; plus strand) and 52 more. Cytogenetic location: 2q37.3.
Variant type: Deletion.
Identifiers: ClinVar variation 3247415 (VCV003247415.1).

ClinVar aggregate classification (germline): Pathogenic (1 of 4 stars; one submission).

Conditions:
Bethlem myopathy 1A. Also called: MYOPATHY, BENIGN CONGENITAL, WITH CONTRACTURES; Bethlem myopathy 1; Bethlem Muscular Dystrophy. Identifiers: Orphanet 610, MedGen CN029274, MONDO:0024530, OMIM 158810.

Submission:

Labcorp Genetics (formerly Invitae), Labcorp
Classification: Pathogenic for Bethlem myopathy 1A. Last evaluated: 2023-09-19. Review status: criteria provided, single submitter. Criteria: Invitae Variant Classification Sherloc (09022015). Collection method: clinical testing. Allele origin: unknown.
Comment: A gross deletion of the genomic region encompassing the full coding sequence of the COL6A3 gene has been identified. Loss-of-function variants in COL6A3 are known to be pathogenic (PMID: 26004199). The boundaries of this event are unknown as they extend beyond the assayed region for this gene and therefore may encompass additional genes. This variant has not been reported in the literature in individuals affected with COL6A3-related conditions. For these reasons, this variant has been classified as Pathogenic.

Literature cited by the submitters: PubMed 26004199.